The following is an entry in ClinVar:

NM_000158.4(GBE1):c.1719_1720insTGTCTCTTATACACAT (p.Leu574fs)

Gene: GBE1 (1,4-alpha-glucan branching enzyme 1; minus strand). Cytogenetic location: 3p12.2.
Variant type: Insertion.
Coding change: c.1719_1720insTGTCTCTTATACACAT on transcript NM_000158.4 (MANE Select); coding-DNA positions 1719 to 1720, TGTCTCTTATACACAT inserted.
Protein change: p.Leu574fs; shifts the reading frame from leucine 574.
Molecular consequence: frameshift variant.
Genome position: GRCh38 VCF-style: chr3-81536994-G-GATGTGTATAAGAGACA. GRCh37 (hg19) VCF-style: chr3-81586145-G-GATGTGTATAAGAGACA.
Other names: short protein forms L574fs.
Identifiers: ClinVar variation 5011231 (VCV005011231.1).

ClinVar aggregate classification (germline): Pathogenic (1 of 4 stars; one submission).

Conditions:
Glycogen storage disease, type IV (GSD4). Also called: AMYLOPECTINOSIS; ANDERSEN DISEASE; BRANCHER DEFICIENCY; CIRRHOSIS, FAMILIAL, WITH DEPOSITION OF ABNORMAL GLYCOGEN; GBE1 DEFICIENCY; GLYCOGEN BRANCHING ENZYME DEFICIENCY. Identifiers: Orphanet 367, MedGen C0017923, MONDO:0009292, OMIM 232500.

Submission:

Myriad Genetics, Inc.
Classification: Pathogenic for Glycogen storage disease, type IV. Last evaluated: 2024-05-14. Review status: criteria provided, single submitter. Criteria: Myriad Autosomal Dominant, Autosomal Recessive and X-Linked Classification Criteria (2023). Collection method: clinical testing. Allele origin: unknown.
Comment: NM_000158.3(GBE1):c.1719_1720ins16(L574Cfs*14) is expected to be pathogenic in the context of glycogen storage disease, GBE1-related. This variant is predicted to lead to an abnormal or absent protein product due to the creation of a premature termination codon in GBE1, a gene where loss-of-function variants are known to be pathogenic. Please note: this variant was assessed in the context of healthy population screening.